The following is an entry in ClinVar:

ClinVar aggregate classification (germline): Conflicting classifications of pathogenicity. Review status: criteria provided, conflicting classifications (1 of 4 stars). 3 submissions from 2 submitters: Uncertain significance (1); Likely benign (2). Last evaluated 2018-01-13.

Conditions:
Autosomal dominant nonsyndromic hearing loss 6 (LFSNHL). Also called: DEAFNESS, AUTOSOMAL DOMINANT 6; DEAFNESS, AUTOSOMAL DOMINANT 14; DEAFNESS, AUTOSOMAL DOMINANT 38; Autosomal dominant nonsyndromic deafness 6; DIDMOAD (Diabetes Insipidus, Diabetes Mellitus, Optic Atrophy, and Deafness). Identifiers: Orphanet 90635, MedGen C1833021, MONDO:0010963, OMIM 600965.
Wolfram syndrome 1 (WFS1). Identifiers: Orphanet 3463, MedGen C4551693, MONDO:0009101, OMIM 222300.
WFS1-Related Spectrum Disorders.

Allele frequency attached by ClinVar (database versions not stated): 1000 Genomes Project 30x 0.00047; gnomAD 0.00054 and 0.00057; 1000 Genomes Project 0.00040; TOPMed 0.00076.

Submissions (3):

Illumina Laboratory Services, Illumina
Classification: Uncertain significance for WFS1-Related Spectrum Disorders. Last evaluated: 2018-01-13. Review status: criteria provided, single submitter. Criteria: ICSL Variant Classification Criteria 13 December 2019. Collection method: clinical testing. Allele origin: germline.

Illumina Laboratory Services, Illumina
Classification: Likely benign for Autosomal dominant nonsyndromic hearing loss 6. Last evaluated: 2018-01-13. Review status: criteria provided, single submitter. Criteria: ICSL Variant Classification Criteria 13 December 2019. Collection method: clinical testing. Allele origin: germline.
Comment: This variant was observed in the ICSL laboratory as part of a predisposition screen in an ostensibly healthy population. It had not been previously curated by ICSL or reported in the Human Gene Mutation Database (HGMD: prior to June 1st, 2018), and was therefore a candidate for classification through an automated scoring system. Utilizing variant allele frequency, disease prevalence and penetrance estimates, and inheritance mode, an automated score was calculated to assess if this variant is too frequent to cause the disease. Based on the score and internal cut-off values, a variant classified as likely benign is not then subjected to further curation. The score for this variant resulted in a classification of likely benign for this disease.

Clinical Genomics, Uppaluri K&H Personalized Medicine Clinic
Classification: Likely benign for Wolfram syndrome 1. Review status: criteria provided, single submitter. Criteria: K & H Uppaluri Personalized Medicine Clinic Variant Classification & Assertion Criteria_Updated V.1. Collection method: research. Allele origin: unknown. Inheritance: Autosomal recessive inheritance.
Comment: Potent mutations in WFS1 gene are associated with Wolfram's syndrome, an autosomal recessive condition, which cause diabetes mellitus, diabetes insipidus, deafness and optic atrophy.However no sufficient evidence is found to ascertain the role of this particular variant rs542977017 yet.

Literature cited by the submitters: PubMed 20738327 (cited by Clinical Genomics, Uppaluri K&H Personalized Medicine Clinic); PubMed 33879153 (cited by Clinical Genomics, Uppaluri K&H Personalized Medicine Clinic); PubMed 12955714 (cited by Clinical Genomics, Uppaluri K&H Personalized Medicine Clinic); PubMed 18060660 (cited by Clinical Genomics, Uppaluri K&H Personalized Medicine Clinic); PubMed 20301750 (cited by Clinical Genomics, Uppaluri K&H Personalized Medicine Clinic); PubMed 17603484 (cited by Clinical Genomics, Uppaluri K&H Personalized Medicine Clinic).

NM_006005.3(WFS1):c.-148G>T

Genes: WFS1 (wolframin ER transmembrane glycoprotein; plus strand), LOC129992166 (ATAC-STARR-seq lymphoblastoid silent region 15229; plus strand). Cytogenetic location: 4p16.1.
Variant type: single nucleotide variant.
Coding change: c.-148G>T on transcript NM_006005.3 (MANE Select); 148 bases upstream of the start codon, G replaced by T.
Molecular consequence: 5 prime UTR variant.
Genome position (GRCh38, 1-based): chr4:6,269,872, G>T. VCF-style: chr4-6269872-G-T. GRCh37 (hg19) VCF-style: chr4-6271599-G-T.
Other names: c.-144G>T (NM_001145853.1).
Identifiers: ClinVar variation 906170 (VCV000906170.5), dbSNP rs542977017, ClinGen allele CA91777900.